The following is an entry in ClinVar:

ClinVar aggregate classification (germline): Likely pathogenic (1 of 4 stars; one submission).

Conditions:
Epilepsy, childhood absence, susceptibility to, 1. Also called: Epilepsy, childhood absence 1. Identifiers: Orphanet 64280, MedGen C1838604, MONDO:0020759, OMIM 600131.
Epilepsy, childhood absence, susceptibility to, 5. Identifiers: Orphanet 64280, MedGen C2677087, MONDO:0012843, OMIM 612269.

Submission:

Labcorp Genetics (formerly Invitae), Labcorp
Classification: Likely pathogenic for Epilepsy, childhood absence, susceptibility to, 5; Epilepsy, childhood absence, susceptibility to, 1. Last evaluated: 2022-02-04. Review status: criteria provided, single submitter. Criteria: Invitae Variant Classification Sherloc (09022015). Collection method: clinical testing. Allele origin: germline.
Comment: Advanced modeling of protein sequence and biophysical properties (such as structural, functional, and spatial information, amino acid conservation, physicochemical variation, residue mobility, and thermodynamic stability) performed at Invitae indicates that this missense variant is expected to disrupt GABRB3 protein function. In summary, the currently available evidence indicates that the variant is pathogenic, but additional data are needed to prove that conclusively. Therefore, this variant has been classified as Likely Pathogenic. This variant disrupts the p.Ser254 amino acid residue in GABRB3. Other variant(s) that disrupt this residue have been determined to be pathogenic (PMID: 27864847, 28053010, 30185235). This suggests that this residue is clinically significant, and that variants that disrupt this residue are likely to be disease-causing. ClinVar contains an entry for this variant (Variation ID: 1068162). This variant has not been reported in the literature in individuals affected with GABRB3-related conditions. This variant is not present in population databases (gnomAD no frequency). This sequence change replaces serine, which is neutral and polar, with tyrosine, which is neutral and polar, at codon 254 of the GABRB3 protein (p.Ser254Tyr).

Literature cited by the submitters: PubMed 27864847; PubMed 28053010; PubMed 30185235.

NM_000814.6(GABRB3):c.761C>A (p.Ser254Tyr)

Gene: GABRB3 (gamma-aminobutyric acid type A receptor subunit beta3; minus strand). Cytogenetic location: 15q12.
Variant type: single nucleotide variant.
Coding change: c.761C>A on transcript NM_000814.6 (MANE Select); coding-DNA position 761, C replaced by A.
Protein change: p.Ser254Tyr; replaces serine 254 with tyrosine.
Molecular consequence: missense variant.
Genome position (GRCh38, 1-based): chr15:26,567,655, G>T on the plus strand (C>A on the coding strand, the complement: GABRB3 is on the minus strand). VCF-style: chr15-26567655-G-T. GRCh37 (hg19) VCF-style: chr15-26812802-G-T.
Other names: c.506C>A, p.Ser169Tyr (NM_001191320.2, NM_001278631.2); c.548C>A, p.Ser183Tyr (NM_001191321.3); c.761C>A, p.Ser254Tyr (NM_021912.5); short protein forms S169Y, S183Y, S254Y.
Identifiers: ClinVar variation 1068162 (VCV001068162.9), dbSNP rs1057519549, ClinGen allele CA391463224.